The following is an entry in ClinVar:

NM_001035.3(RYR2):c.9590T>C (p.Leu3197Ser)

Gene: RYR2 (ryanodine receptor 2; plus strand). Cytogenetic location: 1q43.
Variant type: single nucleotide variant.
Coding change: c.9590T>C on transcript NM_001035.3 (MANE Select); coding-DNA position 9590, T replaced by C.
Protein change: p.Leu3197Ser; replaces leucine 3197 with serine.
Molecular consequence: missense variant.
Genome position (GRCh38, 1-based): chr1:237,706,958, T>C. VCF-style: chr1-237706958-T-C. GRCh37 (hg19) VCF-style: chr1-237870258-T-C.
Other names: c.9590T>C (NM_001035.2); short protein forms L3197S.
Identifiers: ClinVar variation 3022734 (VCV003022734.5), dbSNP rs2547400927, ClinGen allele CA345408254.

ClinVar aggregate classification (germline): Uncertain significance. Review status: criteria provided, multiple submitters, no conflicts (2 of 4 stars). 3 submissions from 3 submitters: Uncertain significance (3). Last evaluated 2026-08-29.

Conditions:
Cardiovascular phenotype. Identifiers: MedGen CN230736.
Catecholaminergic polymorphic ventricular tachycardia 1. Also called: VENTRICULAR TACHYCARDIA, STRESS-INDUCED POLYMORPHIC 1; VENTRICULAR TACHYCARDIA, CATECHOLAMINERGIC POLYMORPHIC, 1, WITH OR WITHOUT ATRIAL DYSFUNCTION AND/OR DILATED CARDIOMYOPATHY; RYR2-Related Catecholaminergic Polymorphic Ventricular Tachycardia. Identifiers: Orphanet 3286, MedGen C1631597, MONDO:0011484, OMIM 604772.

Submissions (3):

Ambry Genetics
Classification: Uncertain significance for Cardiovascular phenotype. Last evaluated: 2026-08-29. Review status: criteria provided, single submitter. Criteria: Ambry Variant Classification Scheme 2023. Collection method: clinical testing. Allele origin: germline.
Comment: The p.L3197S variant (also known as c.9590T>C), located in coding exon 68 of the RYR2 gene, results from a T to C substitution at nucleotide position 9590. The leucine at codon 3197 is replaced by serine, an amino acid with dissimilar properties. This amino acid position is conserved. In addition, the in silico prediction for this alteration is inconclusive. Based on the available evidence, the clinical significance of this variant remains unclear.

GeneDx
Classification: Uncertain significance. Last evaluated: 2025-01-29. Review status: criteria provided, single submitter. Criteria: GeneDx Variant Classification Process June 2021. Collection method: clinical testing. Allele origin: germline. Affected: yes.
Comment: Not observed at significant frequency in large population cohorts (gnomAD); In silico analysis supports that this missense variant has a deleterious effect on protein structure/function; Has not been previously published as pathogenic or benign to our knowledge; Not located in one of the three hot-spot regions of the RYR2 gene, where the majority of pathogenic missense variants occur (PMID: 19926015); This variant is associated with the following publications: (PMID: 19926015)

Labcorp Genetics (formerly Invitae), Labcorp
Classification: Uncertain significance for Catecholaminergic polymorphic ventricular tachycardia 1. Last evaluated: 2023-03-03. Review status: criteria provided, single submitter. Criteria: Invitae Variant Classification Sherloc (09022015). Collection method: clinical testing. Allele origin: germline.
Comment: In summary, the available evidence is currently insufficient to determine the role of this variant in disease. Therefore, it has been classified as a Variant of Uncertain Significance. Advanced modeling of protein sequence and biophysical properties (such as structural, functional, and spatial information, amino acid conservation, physicochemical variation, residue mobility, and thermodynamic stability) has been performed at Invitae for this missense variant, however the output from this modeling did not meet the statistical confidence thresholds required to predict the impact of this variant on RYR2 protein function. This variant has not been reported in the literature in individuals affected with RYR2-related conditions. This variant is not present in population databases (gnomAD no frequency). This sequence change replaces leucine, which is neutral and non-polar, with serine, which is neutral and polar, at codon 3197 of the RYR2 protein (p.Leu3197Ser).